The following is an entry in ClinVar:

NM_002693.3(POLG):c.3506G>T (p.Gly1169Val)

Gene: POLG (DNA polymerase gamma, catalytic subunit; minus strand). Cytogenetic location: 15q26.1.
Variant type: single nucleotide variant.
Coding change: c.3506G>T on transcript NM_002693.3 (MANE Select); coding-DNA position 3506, G replaced by T.
Protein change: p.Gly1169Val; replaces glycine 1169 with valine.
Molecular consequence: missense variant.
Genome position (GRCh38, 1-based): chr15:89,317,513, C>A on the plus strand (G>T on the coding strand, the complement: POLG is on the minus strand). VCF-style: chr15-89317513-C-A. GRCh37 (hg19) VCF-style: chr15-89860744-C-A.
Other names: c.3506G>T, p.Gly1169Val (NM_001126131.2); short protein forms G1169V.
Identifiers: ClinVar variation 2414642 (VCV002414642.8), dbSNP rs2509186226, ClinGen allele CA393748044.

ClinVar aggregate classification (germline): Uncertain significance (1 of 4 stars; one submission).

Conditions:
Progressive sclerosing poliodystrophy (MTDPS4A). Also called: Mitochondrial DNA Depletion Syndrome 4A; Alpers-Huttenlocher Syndrome (AHS); ALPERS PROGRESSIVE INFANTILE POLIODYSTROPHY; NEURONAL DEGENERATION OF CHILDHOOD WITH LIVER DISEASE, PROGRESSIVE; Mitochondrial DNA depletion syndrome 4A (Alpers type); Alpers Syndrome. Identifiers: Orphanet 726, MedGen C0205710, MONDO:0008758, OMIM 203700.

Submission:

Labcorp Genetics (formerly Invitae), Labcorp
Classification: Uncertain significance for Progressive sclerosing poliodystrophy. Last evaluated: 2022-03-16. Review status: criteria provided, single submitter. Criteria: Invitae Variant Classification Sherloc (09022015). Collection method: clinical testing. Allele origin: germline.
Comment: This sequence change replaces glycine, which is neutral and non-polar, with valine, which is neutral and non-polar, at codon 1169 of the POLG protein (p.Gly1169Val). This variant is not present in population databases (gnomAD no frequency). This variant has not been reported in the literature in individuals affected with POLG-related conditions. Algorithms developed to predict the effect of missense changes on protein structure and function are either unavailable or do not agree on the potential impact of this missense change (SIFT: "Deleterious"; PolyPhen-2: "Probably Damaging"; Align-GVGD: "Class C15"). In summary, the available evidence is currently insufficient to determine the role of this variant in disease. Therefore, it has been classified as a Variant of Uncertain Significance.